The following is an entry in ClinVar:

ClinVar aggregate classification (germline): Uncertain significance (1 of 4 stars; one submission).

Conditions:
Ataxia-telangiectasia syndrome (AT). Also called: LOUIS-BAR SYNDROME; Cerebello-oculocutaneous telangiectasia; Immunodeficiency with ataxia telangiectasia; ATAXIA-TELANGIECTASIA, COMPLEMENTATION GROUP A; ATAXIA-TELANGIECTASIA, FRESNO VARIANT; Ataxia-telangiectasia. Identifiers: Orphanet 100, MedGen C0004135, MONDO:0008840, OMIM 208900.

Submission:

Labcorp Genetics (formerly Invitae), Labcorp
Classification: Uncertain significance for Ataxia-telangiectasia syndrome. Last evaluated: 2025-01-11. Review status: criteria provided, single submitter. Criteria: Invitae Variant Classification Sherloc (09022015). Collection method: clinical testing. Allele origin: germline.
Comment: This sequence change replaces tryptophan, which is neutral and slightly polar, with leucine, which is neutral and non-polar, at codon 2960 of the ATM protein (p.Trp2960Leu). This variant is not present in population databases (gnomAD no frequency). This variant has not been reported in the literature in individuals affected with ATM-related conditions. Invitae Evidence Modeling of protein sequence and biophysical properties (such as structural, functional, and spatial information, amino acid conservation, physicochemical variation, residue mobility, and thermodynamic stability) indicates that this missense variant is expected to disrupt ATM protein function with a positive predictive value of 95%. In summary, the available evidence is currently insufficient to determine the role of this variant in disease. Therefore, it has been classified as a Variant of Uncertain Significance.

NM_000051.4(ATM):c.8879G>T (p.Trp2960Leu)

Genes: ATM (ATM serine/threonine kinase; plus strand), C11orf65 (chromosome 11 open reading frame 65; minus strand). Cytogenetic location: 11q22.3.
Variant type: single nucleotide variant.
Coding change: c.8879G>T on transcript NM_000051.4 (MANE Select); coding-DNA position 8879, G replaced by T.
Protein change: p.Trp2960Leu; replaces tryptophan 2960 with leucine.
Molecular consequence: missense variant. On other transcripts: intron variant (2).
Genome position (GRCh38, 1-based): chr11:108,365,110, G>T. VCF-style: chr11-108365110-G-T. GRCh37 (hg19) VCF-style: chr11-108235837-G-T.
Other names: c.8879G>T, p.Trp2960Leu (NM_001351834.2); c.640+20810C>A (NM_001330368.2); c.694+20810C>A (NM_001351110.2); short protein forms W2960L.
Identifiers: ClinVar variation 3621011 (VCV003621011.2).
Genomic context (GRCh38, chr11:108,365,110, plus strand): 5'-GTTCTTTTAATACATATGTTCTCTCTGTTTAGGTCCTTCTATATGATCCACTCTTTGACT[G>T]GACCATGAATCCTTTGAAAGCTTTGTATTTACAGCAGAGGCCGGAAGATGAAACTGAGCT-3'
Protein context (NP_000042.3, residues 2950-2970): EVLLYDPLFD[Trp2960Leu]TMNPLKALYL